The following is an entry in ClinVar:

NM_000548.5(TSC2):c.16A>T (p.Ser6Cys)

Gene: TSC2 (TSC complex subunit 2; plus strand). Cytogenetic location: 16p13.3.
Variant type: single nucleotide variant.
Coding change: c.16A>T on transcript NM_000548.5 (MANE Select); coding-DNA position 16, A replaced by T.
Protein change: p.Ser6Cys; replaces serine 6 with cysteine.
Molecular consequence: missense variant. On other transcripts: 5 prime UTR variant (1), intron variant (1).
Genome position (GRCh38, 1-based): chr16:2,048,631, A>T. VCF-style: chr16-2048631-A-T. GRCh37 (hg19) VCF-style: chr16-2098632-A-T.
Other names: c.16A>T, p.Ser6Cys (NM_001363528.2, NM_001370404.1, NM_001370405.1 and 4 more transcripts); c.-211A>T (NM_001318831.2); c.49A>T, p.Ser17Cys (NM_001318832.2); c.-10+566A>T (NM_001318829.2); short protein forms S6C, S17C.
Identifiers: ClinVar variation 856629 (VCV000856629.10), dbSNP rs1555494544, ClinGen allele CA394300573.

ClinVar aggregate classification (germline): Uncertain significance. Review status: criteria provided, multiple submitters, no conflicts (2 of 4 stars). 2 submissions from 2 submitters: Uncertain significance (2). Last evaluated 2025-07-21.

Conditions:
Hereditary cancer-predisposing syndrome. Also called: Hereditary neoplastic syndrome; Tumor predisposition; Neoplastic Syndromes, Hereditary; Hereditary Cancer Syndrome. Identifiers: Orphanet 140162, MedGen C0027672, MeSH D009386, MONDO:0015356.
Tuberous sclerosis 2 (TSC2). Identifiers: Orphanet 805, MedGen C1860707, MONDO:0013199, OMIM 613254.

Submissions (2):

Labcorp Genetics (formerly Invitae), Labcorp
Classification: Uncertain significance for Tuberous sclerosis 2. Last evaluated: 2025-07-21. Review status: criteria provided, single submitter. Criteria: Invitae Variant Classification Sherloc (09022015). Collection method: clinical testing. Allele origin: germline.
Comment: This sequence change replaces serine, which is neutral and polar, with cysteine, which is neutral and slightly polar, at codon 6 of the TSC2 protein (p.Ser6Cys). This variant is not present in population databases (gnomAD no frequency). This variant has not been reported in the literature in individuals affected with TSC2-related conditions. ClinVar contains an entry for this variant (Variation ID: 856629). Invitae Evidence Modeling of protein sequence and biophysical properties (such as structural, functional, and spatial information, amino acid conservation, physicochemical variation, residue mobility, and thermodynamic stability) indicates that this missense variant is not expected to disrupt TSC2 protein function with a negative predictive value of 95%. In summary, the available evidence is currently insufficient to determine the role of this variant in disease. Therefore, it has been classified as a Variant of Uncertain Significance.

Ambry Genetics
Classification: Uncertain significance for Hereditary cancer-predisposing syndrome. Last evaluated: 2024-04-05. Review status: criteria provided, single submitter. Criteria: Ambry Variant Classification Scheme 2023. Collection method: clinical testing. Allele origin: germline.
Comment: The p.S6C variant (also known as c.16A>T), located in coding exon 1 of the TSC2 gene, results from an A to T substitution at nucleotide position 16. The serine at codon 6 is replaced by cysteine, an amino acid with dissimilar properties. This amino acid position is well conserved in available vertebrate species. In addition, the in silico prediction for this alteration is inconclusive. Based on the available evidence, the clinical significance of this variant remains unclear.